The following is an entry in ClinVar:

NM_000428.3(LTBP2):c.3713G>A (p.Gly1238Asp)

Gene: LTBP2 (latent transforming growth factor beta binding protein 2; minus strand). Cytogenetic location: 14q24.3.
Variant type: single nucleotide variant.
Coding change: c.3713G>A on transcript NM_000428.3 (MANE Select); coding-DNA position 3713, G replaced by A.
Protein change: p.Gly1238Asp; replaces glycine 1238 with aspartic acid.
Molecular consequence: missense variant.
Genome position (GRCh38, 1-based): chr14:74,508,035, C>T on the plus strand (G>A on the coding strand, the complement: LTBP2 is on the minus strand). VCF-style: chr14-74508035-C-T. GRCh37 (hg19) VCF-style: chr14-74974738-C-T.
Other names: short protein forms G1238D.
Identifiers: ClinVar variation 2136223 (VCV002136223.1), dbSNP rs780180036, ClinGen allele CA7269061.

ClinVar aggregate classification (germline): Uncertain significance (1 of 4 stars; one submission).

Allele frequency attached by ClinVar (database versions not stated): TOPMed 0.00001; gnomAD 0.00001.
gnomAD v4.1: 14 of 1,613,844 alleles (0.00087%); highest among the groups gnomAD compares: Non-Finnish European, 0.0012%; no homozygotes.

Submission:

GeneDx
Classification: Uncertain significance. Last evaluated: 2022-07-13. Review status: criteria provided, single submitter. Criteria: GeneDx Variant Classification Process June 2021. Collection method: clinical testing. Allele origin: germline. Affected: yes.
Comment: In silico analysis supports that this missense variant has a deleterious effect on protein structure/function; In silico analysis, which includes splice predictors and evolutionary conservation, suggests this variant may impact gene splicing. In the absence of RNA/functional studies, the actual effect of this sequence change is unknown.; Has not been previously published as pathogenic or benign to our knowledge